The following is an entry in ClinVar:

NM_206933.4(USH2A):c.9710G>T (p.Cys3237Phe)

Gene: USH2A (usherin; minus strand). Cytogenetic location: 1q41.
Variant type: single nucleotide variant.
Coding change: c.9710G>T on transcript NM_206933.4 (MANE Select); coding-DNA position 9710, G replaced by T.
Protein change: p.Cys3237Phe; replaces cysteine 3237 with phenylalanine.
Molecular consequence: missense variant.
Genome position (GRCh38, 1-based): chr1:215,813,765, C>A on the plus strand (G>T on the coding strand, the complement: USH2A is on the minus strand). VCF-style: chr1-215813765-C-A. GRCh37 (hg19) VCF-style: chr1-215987107-C-A.
Other names: short protein forms C3237F.
Identifiers: ClinVar variation 4847877 (VCV004847877.1).
Genomic context (GRCh38, chr1:215,813,765, plus strand): 5'-GTTTTTGAGTACACCTGGAAATAACCCTCACCTGGTAGAATTCTAGCGTAATACCCAGAG[C>A]AGCACTGATGATTTGGTTGTGCCTCCTGTATTCGGCCACCACAACAAACTCCAGTAGAAT-3'
Protein context (NP_996816.3, residues 3227-3247): IQEAQPNHQC[Cys3237Phe]SGYYARILPG

ClinVar aggregate classification (germline): Uncertain significance (1 of 4 stars; one submission).

gnomAD v4.1: 6 of 1,613,890 alleles (0.00037%); highest among the groups gnomAD compares: East Asian, 0.011%; no homozygotes.

Submission:

Women's Health and Genetics/Laboratory Corporation of America, LabCorp
Classification: Uncertain significance. Last evaluated: 2026-02-25. Review status: criteria provided, single submitter. Criteria: LabCorp Variant Classification Summary - May 2015. Collection method: clinical testing. Allele origin: germline.
Comment: Variant summary: USH2A c.9710G>T (p.Cys3237Phe) results in a non-conservative amino acid change in the encoded protein sequence. Algorithms developed to predict the effect of missense changes on protein structure and function all suggest that this variant is likely to be disruptive. The variant allele was found at a frequency of 2.4e-05 in 251244 control chromosomes (gnomAD). The available data on variant occurrences in the general population are insufficient to allow any conclusion about variant significance. c.9710G>T has been observed in one individual affected with inherited retinal disorders (Kao_2024). These data do not allow any conclusion about variant significance. To our knowledge, no experimental evidence demonstrating an impact on protein function has been reported. The following publication have been ascertained in the context of this evaluation (PMID: 38195571). No submitters have cited clinical-significance assessments for this variant to ClinVar. Based on the evidence outlined above, the variant was classified as uncertain significance.

Literature cited by the submitters: PubMed 38195571.